The following is an entry in ClinVar:

NM_001267550.2(TTN):c.98299del (p.Arg32767fs)

Genes: TTN (titin; minus strand), TTN-AS1 (TTN antisense RNA 1; plus strand). Cytogenetic location: 2q31.2.
Variant type: Deletion.
Coding change: c.98299del on transcript NM_001267550.2 (MANE Select); coding-DNA position 98299, one base deleted (A; older notation c.98299delA).
Protein change: p.Arg32767fs; shifts the reading frame from arginine 32767.
Molecular consequence: frameshift variant. On other transcripts: non-coding transcript variant (1).
Genome position (GRCh38, 1-based): chr2:178,539,766, T deleted on the plus strand (A on the coding strand, the reverse complement: TTN is on the minus strand). VCF-style (leftmost placement, unchanged base first): chr2-178539765-CT-C. GRCh37 (hg19) VCF-style: chr2-179404492-CT-C.
Other names: c.93376del, p.Arg31126fs (NM_001256850.1); c.71104del, p.Arg23702fs (NM_003319.4); c.90595del, p.Arg30199fs (NM_133378.4); c.71479del, p.Arg23827fs (NM_133432.3); c.71680del, p.Arg23894fs (NM_133437.4); c.98299del (NM_001267550.1); short protein forms R30199fs, R23827fs, R23894fs, R31126fs, R23702fs, R32767fs.
Identifiers: ClinVar variation 856474 (VCV000856474.14), dbSNP rs772061676, ClinGen allele CA1986400.
Genomic context (GRCh38, chr2:178,539,765, plus strand): 5'-TAGACAGCCTTCTTGCCACATTTATTTTCCAGAACCAGGTCATAAGTGCCAGAATCACCC[CT>C]GTCTGCTTCTTTGATCACAAGCTCAGTGTGTGTTTCAGATGTTGCAATCATGGCACGCTT-3'

ClinVar aggregate classification (germline): Pathogenic/Likely pathogenic. Review status: criteria provided, multiple submitters, no conflicts (2 of 4 stars). 5 submissions from 5 submitters: Pathogenic (3); Likely pathogenic (1). 1 of the submissions does not count toward it. Last evaluated 2025-12-29.

Conditions:
TTN-related disorder. Also called: TTN-related disorders; TTN-related condition; TTN-related disease.
Dilated cardiomyopathy 1G (CMD1G). Identifiers: Orphanet 154, MedGen C1858763, MONDO:0011400, OMIM 604145.
Autosomal recessive limb-girdle muscular dystrophy type 2J (LGMDR10). Also called: MUSCULAR DYSTROPHY, LIMB-GIRDLE, AUTOSOMAL RECESSIVE 10; Limb-girdle muscular dystrophy, type 2J. Identifiers: Orphanet 140922, MedGen C1837342, MONDO:0012127, OMIM 608807.

Allele frequency attached by ClinVar (database versions not stated): gnomAD exomes below 0.00001; ExAC 0.00001.

Submissions (5):

Labcorp Genetics (formerly Invitae), Labcorp
Classification: Likely pathogenic for Dilated cardiomyopathy 1G; Autosomal recessive limb-girdle muscular dystrophy type 2J. Last evaluated: 2025-12-29. Review status: criteria provided, single submitter. Criteria: Invitae Variant Classification Sherloc (09022015). Collection method: clinical testing. Allele origin: germline.
Comment: This sequence change creates a premature translational stop signal (p.Arg32767Glyfs*26) in the TTN gene. While this is not anticipated to result in nonsense mediated decay, it is expected to create a truncated TTN protein. This variant is present in population databases (rs772061676, gnomAD 0.0009%). This premature translational stop signal has been observed in individual(s) with cardiomyopathy and/or left ventricular noncompaction (PMID: 30471092). ClinVar contains an entry for this variant (Variation ID: 856474). This variant is located in the A band of TTN (PMID: 25589632). Truncating variants in this region are significantly overrepresented in patients affected with dilated cardiomyopathy (PMID: 25589632). Truncating variants in this region have also been reported in individuals affected with autosomal recessive centronuclear myopathy (PMID: 23975875). In summary, the currently available evidence indicates that the variant is pathogenic, but additional data are needed to prove that conclusively. Therefore, this variant has been classified as Likely Pathogenic.

Dasa
Classification: Pathogenic. Last evaluated: 2025-05-29. Review status: criteria provided, single submitter. Criteria: DASA Assertion Criteria. Collection method: clinical testing. Allele origin: germline.
Comment: NM_001267550.2(TTN):c.98299del (p.Arg32767Glyfs*26) introduces a premature termination codon predicted to result in loss of normal protein function. Loss-of-function is an established mechanism of disease for this gene. This variant has been reported in individuals with related phenotype. This variant has been reported in individuals with related phenotype. The variant is present at low frequency in population datasets. Based on the available data, this variant is classified as pathogenic.

Blueprint Genetics
Classification: Pathogenic for TTN-related disorders. Last evaluated: 2023-12-27. Review status: criteria provided, single submitter. Criteria: ACMG Guidelines, 2015. Collection method: clinical testing. Allele origin: germline. Affected: yes. Observed: 1 variant allele.

GeneDx
Classification: Pathogenic. Last evaluated: 2022-11-22. Review status: criteria provided, single submitter. Criteria: GeneDx Variant Classification Process June 2021. Collection method: clinical testing. Allele origin: germline. Affected: yes.
Comment: Reported in individuals with left ventricular non-compaction (LVNC) in published literature (Richard et al., 2019; Cambon-Viala et al., 2021); Frameshift variant predicted to result in protein truncation or nonsense mediated decay in a gene for which loss of function is a known mechanism of disease; Located in the A-band region of TTN in which the majority of loss of function variants have been associated with autosomal dominant titinopathies (Herman et al., 2012); Not observed at significant frequency in large population cohorts (gnomAD); This variant is associated with the following publications: (PMID: 30471092, 34819141, 22335739, 34088380)

Cardiogenetics and Myogenetics Molecular and Cellular Functional Unit, Aphp Sorbonne University-Hopital Pitie Salpetriere
Classification: Likely pathogenic for Dilated cardiomyopathy 1G. Last evaluated: 2024-01-06. Review status: no assertion criteria provided. Collection method: clinical testing. Allele origin: germline. Affected: yes. Not counted in ClinVar's aggregate classification.

Literature cited by the submitters: PubMed 30471092 (cited by Labcorp Genetics (formerly Invitae), Labcorp); PubMed 25589632 (cited by Labcorp Genetics (formerly Invitae), Labcorp); PubMed 23975875 (cited by Labcorp Genetics (formerly Invitae), Labcorp).